The following is an entry in ClinVar:

ClinVar aggregate classification (germline): Uncertain significance (1 of 4 stars; one submission).

Conditions:
Dilated cardiomyopathy 1R (CMD1R). Identifiers: Orphanet 154, Orphanet 54260, MedGen C3150681, MONDO:0013261, OMIM 613424.
Hypertrophic cardiomyopathy 11. Also called: ACTC1-Related Familial Hypertrophic Cardiomyopathy. Identifiers: MedGen C2677506, MONDO:0012799, OMIM 612098.
Atrial septal defect 5 (ASD5). Identifiers: Orphanet 1478, MedGen C2748552, MONDO:0013011, OMIM 612794.

Submission:

Labcorp Genetics (formerly Invitae), Labcorp
Classification: Uncertain significance for Dilated cardiomyopathy 1R; Hypertrophic cardiomyopathy 11; Atrial septal defect 5. Last evaluated: 2018-07-04. Review status: criteria provided, single submitter. Criteria: Invitae Variant Classification Sherloc (09022015). Collection method: clinical testing. Allele origin: germline.
Comment: In summary, the available evidence is currently insufficient to determine the role of this variant in disease. Therefore, it has been classified as a Variant of Uncertain Significance. Algorithms developed to predict the effect of missense changes on protein structure and function (SIFT, PolyPhen-2, Align-GVGD) all suggest that this variant is likely to be disruptive, but these predictions have not been confirmed by published functional studies and their clinical significance is uncertain. This variant has not been reported in the literature in individuals with ACTC1-related disease. This variant is not present in population databases (ExAC no frequency). This sequence change replaces lysine with glutamic acid at codon 361 of the ACTC1 protein (p.Lys361Glu). The lysine residue is highly conserved and there is a small physicochemical difference between lysine and glutamic acid.

NM_005159.5(ACTC1):c.1081A>G (p.Lys361Glu)

Genes: ACTC1 (actin alpha cardiac muscle 1; minus strand), GJD2-DT (GJD2 divergent transcript; plus strand). Cytogenetic location: 15q14.
Variant type: single nucleotide variant.
Coding change: c.1081A>G on transcript NM_005159.5 (MANE Select); coding-DNA position 1081, A replaced by G.
Protein change: p.Lys361Glu; replaces lysine 361 with glutamic acid.
Molecular consequence: missense variant.
Genome position (GRCh38, 1-based): chr15:34,790,465, T>C on the plus strand (A>G on the coding strand, the complement: ACTC1 is on the minus strand). VCF-style: chr15-34790465-T-C. GRCh37 (hg19) VCF-style: chr15-35082666-T-C.
Other names: c.1081A>G (LRG_388t1); short protein forms K361E.
Identifiers: ClinVar variation 656273 (VCV000656273.8), dbSNP rs1595759946, ClinGen allele CA391628804.